The following is an entry in ClinVar:

NM_002432.3(MNDA):c.488G>C (p.Gly163Ala)

Gene: MNDA (myeloid cell nuclear differentiation antigen; plus strand). Cytogenetic location: 1q23.1.
Variant type: single nucleotide variant.
Coding change: c.488G>C on transcript NM_002432.3 (MANE Select); coding-DNA position 488, G replaced by C.
Protein change: p.Gly163Ala; replaces glycine 163 with alanine.
Molecular consequence: missense variant.
Genome position (GRCh38, 1-based): chr1:158,844,040, G>C. VCF-style: chr1-158844040-G-C. GRCh37 (hg19) VCF-style: chr1-158813830-G-C.
Other names: short protein forms G163A.
Identifiers: ClinVar variation 1743853 (VCV001743853.3), dbSNP rs767870608, ClinGen allele CA1185614.
Genomic context (GRCh38, chr1:158,844,040, plus strand): 5'-AGACTGAAGCCAAAAGGAATAAGGTGTCCCAAGAGCAGAGTAAGCCCCCAGGTCCCTCAG[G>C]AGCCAGCACATCTGCAGCTGTGGATCATCCCCCACTACCCCAGACCTCATCATCAACTCC-3'
Protein context (NP_002423.1, residues 153-173): QEQSKPPGPS[Gly163Ala]ASTSAAVDHP

ClinVar aggregate classification (germline): Uncertain significance (1 of 4 stars; one submission).

Allele frequency attached by ClinVar (database versions not stated): ExAC 0.00001; gnomAD 0.00001.
gnomAD v4.1: 4 of 1,613,726 alleles (0.00025%); highest among the groups gnomAD compares: African/African-American, 0.0013%; no homozygotes.

Submission:

Ambry Genetics
Classification: Uncertain significance. Last evaluated: 2023-08-02. Review status: criteria provided, single submitter. Criteria: Ambry Variant Classification Scheme 2023. Collection method: clinical testing. Allele origin: germline.
Comment: The p.G163A variant (also known as c.488G>C), located in coding exon 3 of the MNDA gene, results from a G to C substitution at nucleotide position 488. The glycine at codon 163 is replaced by alanine, an amino acid with similar properties. This amino acid position is conserved. In addition, this alteration is predicted to be tolerated by in silico analysis. Since supporting evidence is limited at this time, the clinical significance of this alteration remains unclear.